The following is an entry in ClinVar:

ClinVar aggregate classification (germline): Pathogenic (1 of 4 stars; one submission).

Conditions:
Cutis laxa, autosomal recessive, type 1B (ARCL1B). Also called: CUTIS LAXA, AUTOSOMAL RECESSIVE, TYPE IB; EFEMP2-Related Cutis Laxa. Identifiers: Orphanet 90349, MedGen C3280798, MONDO:0013754, OMIM 614437. Disease mechanism: loss of function.

Submission:

Labcorp Genetics (formerly Invitae), Labcorp
Classification: Pathogenic for Cutis laxa, autosomal recessive, type 1B. Last evaluated: 2024-06-19. Review status: criteria provided, single submitter. Criteria: Invitae Variant Classification Sherloc (09022015). Collection method: clinical testing. Allele origin: germline.
Comment: This sequence change creates a premature translational stop signal (p.Tyr78Alafs*89) in the EFEMP2 gene. It is expected to result in an absent or disrupted protein product. Loss-of-function variants in EFEMP2 are known to be pathogenic (PMID: 17937443). This variant is not present in population databases (gnomAD no frequency). This variant has not been reported in the literature in individuals affected with EFEMP2-related conditions. For these reasons, this variant has been classified as Pathogenic.

Literature cited by the submitters: PubMed 17937443.

NM_016938.5(EFEMP2):c.229_230dup (p.Tyr78fs)

Gene: EFEMP2 (EGF-like fibulin extracellular matrix protein 2; minus strand). Cytogenetic location: 11q13.1.
Variant type: Duplication.
Coding change: c.229_230dup on transcript NM_016938.5 (MANE Select); coding-DNA positions 229 to 230, 2 bases duplicated (GG; older notation c.229_230dupGG).
Protein change: p.Tyr78fs; shifts the reading frame from tyrosine 78.
Molecular consequence: frameshift variant. On other transcripts: non-coding transcript variant (1).
Genome position (GRCh38, 1-based): chr11:65,871,294-65,871,295, CC duplicated on the plus strand (GG on the coding strand, the reverse complement: EFEMP2 is on the minus strand); duplicating any 2 consecutive bases within chr11:65,871,294-65,871,298 gives the same sequence; the c. name uses the placement nearest the transcript's 3' end. VCF-style (leftmost placement, unchanged base first): chr11-65871293-G-GCC. GRCh37 (hg19) VCF-style: chr11-65638764-G-GCC.
Other names: short protein forms Y78fs.
Identifiers: ClinVar variation 3614102 (VCV003614102.2).